The following is an entry in ClinVar:

NM_012398.3(PIP5K1C):c.394C>A (p.Arg132Ser)

Gene: PIP5K1C (phosphatidylinositol-4-phosphate 5-kinase type 1 gamma; minus strand). Cytogenetic location: 19p13.3.
Variant type: single nucleotide variant.
Coding change: c.394C>A on transcript NM_012398.3 (MANE Select); coding-DNA position 394, C replaced by A.
Protein change: p.Arg132Ser; replaces arginine 132 with serine.
Molecular consequence: missense variant.
Genome position (GRCh38, 1-based): chr19:3,661,040, G>T on the plus strand (C>A on the coding strand, the complement: PIP5K1C is on the minus strand). VCF-style: chr19-3661040-G-T. GRCh37 (hg19) VCF-style: chr19-3661038-G-T.
Other names: c.394C>A, p.Arg132Ser (NM_001195733.2, NM_001300849.2); short protein forms R132S.
Identifiers: ClinVar variation 4539864 (VCV004539864.1).
Genomic context (GRCh38, chr19:3,661,040, plus strand): 5'-GCCGGATCCCAAAGAGCTCCCGGAAGTAGCGGAAGGCGACAGGTGCATAGGTCTTGAAGC[G>T]GAAGTCCTGGAAGTGGTGGGCGGGGGTGAGGTTGCTGCCTTCGCTGTGGAGGAAGGACGG-3'
Protein context (NP_036530.1, residues 122-142): LTPAHHFQDF[Arg132Ser]FKTYAPVAFR

ClinVar aggregate classification (germline): Uncertain significance (1 of 4 stars; one submission).

Submission:

GeneDx
Classification: Uncertain significance. Last evaluated: 2025-06-25. Review status: criteria provided, single submitter. Criteria: GeneDx Variant Classification Process June 2021. Collection method: clinical testing. Allele origin: germline. Affected: yes.
Comment: Not observed at significant frequency in large population cohorts (gnomAD); In silico analysis supports that this missense variant has a deleterious effect on protein structure/function; Has not been previously published as pathogenic or benign to our knowledge